The following is an entry in ClinVar:

ClinVar aggregate classification (germline): Uncertain significance (1 of 4 stars; one submission).

Submission:

GeneDx
Classification: Uncertain significance. Last evaluated: 2026-03-26. Review status: criteria provided, single submitter. Criteria: GeneDx Variant Classification Process June 2021. Collection method: clinical testing. Allele origin: germline.
Comment: Not observed at significant frequency in large population cohorts (gnomAD); In silico analysis supports that this missense variant has a deleterious effect on protein structure/function; Has not been previously published as pathogenic or benign to our knowledge.

NM_001282531.3(ADNP):c.2060G>T (p.Cys687Phe)

Gene: ADNP (activity dependent neuroprotector homeobox; minus strand). Cytogenetic location: 20q13.13.
Variant type: single nucleotide variant.
Coding change: c.2060G>T on transcript NM_001282531.3 (MANE Select); coding-DNA position 2060, G replaced by T.
Protein change: p.Cys687Phe; replaces cysteine 687 with phenylalanine.
Molecular consequence: missense variant.
Genome position (GRCh38, 1-based): chr20:50,892,654, C>A on the plus strand (G>T on the coding strand, the complement: ADNP is on the minus strand). VCF-style: chr20-50892654-C-A. GRCh37 (hg19) VCF-style: chr20-49509191-C-A.
Other names: c.2060G>T, p.Cys687Phe (NM_001282532.2, NM_001347511.2, NM_015339.5 and 1 more transcripts); c.2276G>T, p.Cys759Phe (NM_001439000.1); c.1376G>T, p.Cys459Phe (NM_001439001.1); short protein forms C459F, C687F, C759F.
Identifiers: ClinVar variation 5017554 (VCV005017554.1).